The following is an entry in ClinVar:

ClinVar aggregate classification (germline): Uncertain significance (1 of 4 stars; one submission).

Submission:

CeGaT Center for Human Genetics Tuebingen
Classification: Uncertain significance. Last evaluated: 2026-07-01. Review status: criteria provided, single submitter. Criteria: CeGaT Center For Human Genetics Tuebingen Variant Classification Criteria Version 2. Collection method: clinical testing. Allele origin: germline. Affected: yes. Observed: 1 variant allele.
Comment: TNR: PM2

NM_003285.3(TNR):c.2029C>T (p.Pro677Ser)

Gene: TNR (tenascin R; minus strand). Cytogenetic location: 1q25.1.
Variant type: single nucleotide variant.
Coding change: c.2029C>T on transcript NM_003285.3 (MANE Select); coding-DNA position 2029, C replaced by T.
Protein change: p.Pro677Ser; replaces proline 677 with serine.
Molecular consequence: missense variant.
Genome position (GRCh38, 1-based): chr1:175,367,232, G>A on the plus strand (C>T on the coding strand, the complement: TNR is on the minus strand). VCF-style: chr1-175367232-G-A. GRCh37 (hg19) VCF-style: chr1-175336368-G-A.
Other names: c.1030C>T, p.Pro344Ser (NM_001328635.2); short protein forms P344S, P677S.
Identifiers: ClinVar variation 5040066 (VCV005040066.1).